The following is an entry in ClinVar:

ClinVar aggregate classification (germline): Uncertain significance (1 of 4 stars; one submission).

Allele frequency attached by ClinVar (database versions not stated): gnomAD 0.00001.
gnomAD v4.1: 3 of 1,613,830 alleles (0.00019%); highest among the groups gnomAD compares: African/African-American, 0.004%; no homozygotes.

Submission:

Labcorp Genetics (formerly Invitae), Labcorp
Classification: Uncertain significance. Last evaluated: 2022-06-18. Review status: criteria provided, single submitter. Criteria: Invitae Variant Classification Sherloc (09022015). Collection method: clinical testing. Allele origin: germline.
Comment: In summary, the available evidence is currently insufficient to determine the role of this variant in disease. Therefore, it has been classified as a Variant of Uncertain Significance. Experimental studies and prediction algorithms are not available or were not evaluated, and the functional significance of this variant is currently unknown. This variant has not been reported in the literature in individuals affected with ADNP-related conditions. This variant is present in population databases (no rsID available, gnomAD 0.007%). This sequence change affects codon 411 of the ADNP mRNA. It is a 'silent' change, meaning that it does not change the encoded amino acid sequence of the ADNP protein.

NM_001282531.3(ADNP):c.1233C>G (p.Ser411=)

Gene: ADNP (activity dependent neuroprotector homeobox; minus strand). Cytogenetic location: 20q13.13.
Variant type: single nucleotide variant.
Coding change: c.1233C>G on transcript NM_001282531.3 (MANE Select); coding-DNA position 1233, C replaced by G.
Protein change: p.Ser411=; no amino-acid change (serine 411 retained).
Molecular consequence: synonymous variant.
Genome position (GRCh38, 1-based): chr20:50,893,481, G>C on the plus strand (C>G on the coding strand, the complement: ADNP is on the minus strand). VCF-style: chr20-50893481-G-C. GRCh37 (hg19) VCF-style: chr20-49510018-G-C.
Other names: c.1233C>G, p.Ser411= (NM_001282532.2, NM_001347511.2, NM_015339.5 and 1 more transcripts).
Identifiers: ClinVar variation 2420562 (VCV002420562.7), dbSNP rs1033863831, ClinGen allele CA315257766.